The following is an entry in ClinVar:

ClinVar aggregate classification (germline): Benign/Likely benign. Review status: criteria provided, multiple submitters, no conflicts (2 of 4 stars). 8 submissions from 8 submitters: Benign (1); Likely benign (7). Last evaluated 2025-02-27.

Conditions:
Hereditary cancer-predisposing syndrome. Also called: Neoplastic Syndromes, Hereditary; Hereditary neoplastic syndrome; Tumor predisposition; Hereditary Cancer Syndrome. Identifiers: Orphanet 140162, MedGen C0027672, MeSH D009386, MONDO:0015356.
Breast and/or ovarian cancer. Identifiers: MedGen CN221562.
Familial cancer of breast. Also called: BREAST CANCER, FAMILIAL; hereditary breast carcinoma; Hereditary breast cancer. Identifiers: Orphanet 227535, MedGen C0346153, MONDO:0016419, OMIM 114480. Disease mechanism: loss of function.

Allele frequency attached by ClinVar (database versions not stated): gnomAD exomes below 0.00001; TOPMed below 0.00001.
gnomAD v4.1: 1 of 1,613,422 alleles (0.000062%); highest among the groups gnomAD compares: Non-Finnish European, 0.000085%; no homozygotes.

Submissions (8):

Labcorp Genetics (formerly Invitae), Labcorp
Classification: Likely benign for Familial cancer of breast. Last evaluated: 2025-02-27. Review status: criteria provided, single submitter. Criteria: Invitae Variant Classification Sherloc (09022015). Collection method: clinical testing. Allele origin: germline.

Myriad Genetics, Inc.
Classification: Benign for Familial cancer of breast. Last evaluated: 2024-07-19. Review status: criteria provided, single submitter. Criteria: Myriad Autosomal Dominant, Autosomal Recessive and X-Linked Classification Criteria (2023). Collection method: clinical testing. Allele origin: unknown.
Comment: This variant is considered benign. This variant is a silent/synonymous amino acid change and it is not expected to impact splicing.

Women's Health and Genetics/Laboratory Corporation of America, LabCorp
Classification: Likely benign. Last evaluated: 2024-07-05. Review status: criteria provided, single submitter. Criteria: LabCorp Variant Classification Summary - May 2015. Collection method: clinical testing. Allele origin: germline.

CHEO Genetics Diagnostic Laboratory, Children's Hospital of Eastern Ontario
Classification: Likely benign for Breast and/or ovarian cancer. Last evaluated: 2022-12-16. Review status: criteria provided, single submitter. Criteria: ACMG Guidelines, 2015. Collection method: clinical testing. Allele origin: germline.

Quest Diagnostics Nichols Institute San Juan Capistrano
Classification: Likely benign. Last evaluated: 2020-01-21. Review status: criteria provided, single submitter. Criteria: Quest Diagnostics criteria. Collection method: clinical testing. Allele origin: unknown.

GeneDx
Classification: Likely benign. Last evaluated: 2018-05-02. Review status: criteria provided, single submitter. Criteria: GeneDx Variant Classification (06012015). Collection method: clinical testing. Allele origin: germline. Affected: yes.
Comment: This variant is considered likely benign or benign based on one or more of the following criteria: it is a conservative change, it occurs at a poorly conserved position in the protein, it is predicted to be benign by multiple in silico algorithms, and/or has population frequency not consistent with disease.

Color Diagnostics, LLC DBA Color Health
Classification: Likely benign for Hereditary cancer-predisposing syndrome. Last evaluated: 2017-11-13. Review status: criteria provided, single submitter. Criteria: ACMG Guidelines, 2015. Collection method: clinical testing. Allele origin: germline.

Ambry Genetics
Classification: Likely benign for Hereditary cancer-predisposing syndrome. Last evaluated: 2017-05-31. Review status: criteria provided, single submitter. Criteria: Ambry Variant Classification Scheme 2023. Collection method: clinical testing. Allele origin: germline.

NM_000465.4(BARD1):c.297A>G (p.Arg99=)

Gene: BARD1 (BRCA1 associated RING domain 1; minus strand). Cytogenetic location: 2q35.
Variant type: single nucleotide variant.
Coding change: c.297A>G on transcript NM_000465.4 (MANE Select); coding-DNA position 297, A replaced by G.
Protein change: p.Arg99=; no amino-acid change (arginine 99 retained).
Molecular consequence: synonymous variant. On other transcripts: non-coding transcript variant (1), intron variant (2).
Genome position (GRCh38, 1-based): chr2:214,792,364, T>C on the plus strand (A>G on the coding strand, the complement: BARD1 is on the minus strand). VCF-style: chr2-214792364-T-C. GRCh37 (hg19) VCF-style: chr2-215657088-T-C.
Other names: c.240A>G, p.Arg80= (NM_001282543.2); c.297A>G, p.Arg99= (NM_001282549.2); c.158+17048A>G (NM_001282548.2); c.215+4697A>G (NM_001282545.2).
Identifiers: ClinVar variation 237834 (VCV000237834.22), dbSNP rs878854010, ClinGen allele CA10581941.